The following is an entry in ClinVar:

NM_000503.6(EYA1):c.704A>T (p.Tyr235Phe)

Gene: EYA1 (EYA transcriptional coactivator and phosphatase 1; minus strand). Cytogenetic location: 8q13.3.
Variant type: single nucleotide variant.
Coding change: c.704A>T on transcript NM_000503.6 (MANE Select); coding-DNA position 704, A replaced by T.
Protein change: p.Tyr235Phe; replaces tyrosine 235 with phenylalanine.
Molecular consequence: missense variant.
Genome position (GRCh38, 1-based): chr8:71,299,169, T>A on the plus strand (A>T on the coding strand, the complement: EYA1 is on the minus strand). VCF-style: chr8-71299169-T-A. GRCh37 (hg19) VCF-style: chr8-72211404-T-A.
Other names: c.686A>T, p.Tyr229Phe (NM_001288574.2); c.338A>T, p.Tyr113Phe (NM_001288575.2); c.791A>T, p.Tyr264Phe (NM_001370333.1); c.704A>T, p.Tyr235Phe (NM_001370334.1, NM_001370335.1, NM_172058.4); c.773A>T, p.Tyr258Phe (NM_001370336.1); c.605A>T, p.Tyr202Phe (NM_001411797.1, NM_172060.4); c.776A>T, p.Tyr259Phe (NM_172059.5); short protein forms Y113F, Y258F, Y229F, Y259F, Y202F, Y235F, Y264F.
Identifiers: ClinVar variation 2326202 (VCV002326202.3), dbSNP rs969843445, ClinGen allele CA179208619.

ClinVar aggregate classification (germline): Uncertain significance. Review status: criteria provided, multiple submitters, no conflicts (2 of 4 stars). 2 submissions from 2 submitters: Uncertain significance (2). Last evaluated 2024-04-25.

Conditions:
Inborn genetic diseases. Identifiers: MedGen C0950123, MeSH D030342.

Allele frequency attached by ClinVar (database versions not stated): gnomAD 0.00001; gnomAD exomes 0.00001; TOPMed 0.00002.
gnomAD v4.1: 9 of 1,614,062 alleles (0.00056%); highest among the groups gnomAD compares: Non-Finnish European, 0.00076%; no homozygotes.

Submissions (2):

GeneDx
Classification: Uncertain significance. Last evaluated: 2024-04-25. Review status: criteria provided, single submitter. Criteria: GeneDx Variant Classification Process June 2021. Collection method: clinical testing. Allele origin: germline. Affected: yes.
Comment: Not observed at significant frequency in large population cohorts (gnomAD); In silico analysis supports that this missense variant does not alter protein structure/function; In silico analysis suggests this variant may impact gene splicing. In the absence of RNA/functional studies, the actual effect of this sequence change is unknown; Has not been previously published as pathogenic or benign to our knowledge

Ambry Genetics
Classification: Uncertain significance for Inborn genetic diseases. Last evaluated: 2022-11-17. Review status: criteria provided, single submitter. Criteria: Ambry Variant Classification Scheme 2023. Collection method: clinical testing. Allele origin: germline.